The following is an entry in ClinVar:

NM_024928.5(STN1):c.1021G>A (p.Glu341Lys)

Gene: STN1 (STN1 subunit of CST complex; minus strand). Cytogenetic location: 10q24.33.
Variant type: single nucleotide variant.
Coding change: c.1021G>A on transcript NM_024928.5 (MANE Select); coding-DNA position 1021, G replaced by A.
Protein change: p.Glu341Lys; replaces glutamic acid 341 with lysine.
Molecular consequence: missense variant.
Genome position (GRCh38, 1-based): chr10:103,882,770, C>T on the plus strand (G>A on the coding strand, the complement: STN1 is on the minus strand). VCF-style: chr10-103882770-C-T. GRCh37 (hg19) VCF-style: chr10-105642528-C-T.
Other names: short protein forms E341K.
Identifiers: ClinVar variation 1473765 (VCV001473765.6), dbSNP rs757406867, ClinGen allele CA5676415.

ClinVar aggregate classification (germline): Uncertain significance (1 of 4 stars; one submission).

Allele frequency attached by ClinVar (database versions not stated): gnomAD exomes below 0.00001 and 0.00001; ExAC 0.00001; TOPMed 0.00001.
gnomAD v4.1: 15 of 1,614,198 alleles (0.00093%); highest among the groups gnomAD compares: South Asian, 0.0055%; no homozygotes.

Submission:

Labcorp Genetics (formerly Invitae), Labcorp
Classification: Uncertain significance. Last evaluated: 2022-08-12. Review status: criteria provided, single submitter. Criteria: Invitae Variant Classification Sherloc (09022015). Collection method: clinical testing. Allele origin: germline.
Comment: In summary, the available evidence is currently insufficient to determine the role of this variant in disease. Therefore, it has been classified as a Variant of Uncertain Significance. Algorithms developed to predict the effect of missense changes on protein structure and function output the following: SIFT: "Tolerated"; PolyPhen-2: "Benign"; Align-GVGD: "Class C0". The lysine amino acid residue is found in multiple mammalian species, which suggests that this missense change does not adversely affect protein function. ClinVar contains an entry for this variant (Variation ID: 1473765). This variant has not been reported in the literature in individuals affected with STN1-related conditions. This variant is present in population databases (rs757406867, gnomAD 0.003%). This sequence change replaces glutamic acid, which is acidic and polar, with lysine, which is basic and polar, at codon 341 of the STN1 protein (p.Glu341Lys).